The following is an entry in ClinVar:

NM_000274.4(OAT):c.1231A>G (p.Ile411Val)

Gene: OAT (ornithine aminotransferase; minus strand). Cytogenetic location: 10q26.13.
Variant type: single nucleotide variant.
Coding change: c.1231A>G on transcript NM_000274.4 (MANE Select); coding-DNA position 1231, A replaced by G.
Protein change: p.Ile411Val; replaces isoleucine 411 with valine.
Molecular consequence: missense variant.
Genome position (GRCh38, 1-based): chr10:124,398,031, T>C on the plus strand (A>G on the coding strand, the complement: OAT is on the minus strand). VCF-style: chr10-124398031-T-C. GRCh37 (hg19) VCF-style: chr10-126086600-T-C.
Other names: c.817A>G, p.Ile273Val (NM_001171814.2); c.1231A>G, p.Ile411Val (NM_001322965.2, NM_001322966.2, NM_001322967.2 and 3 more transcripts); c.910A>G, p.Ile304Val (NM_001322971.2); c.631A>G, p.Ile211Val (NM_001322974.2); short protein forms I304V, I411V, I211V, I273V.
Identifiers: ClinVar variation 1947203 (VCV001947203.3), dbSNP rs1282169503, ClinGen allele CA378633141.

ClinVar aggregate classification (germline): Uncertain significance (1 of 4 stars; one submission).

Conditions:
Ornithine aminotransferase deficiency (GACR). Also called: Ornithine ketoacid aminotransferase deficiency; Gyrate atrophy; Gyrate atrophy of choroid and retina; Girate atrophy of the retina; HYPERORNITHINEMIA WITH GYRATE ATROPHY OF CHOROID AND RETINA; OAT DEFICIENCY. Identifiers: Orphanet 414, MedGen C0018425, MONDO:0009796, OMIM 258870.

Allele frequency attached by ClinVar (database versions not stated): gnomAD 0.00001; TOPMed 0.00001.
gnomAD v4.1: 3 of 1,613,976 alleles (0.00019%); highest among the groups gnomAD compares: Admixed American, 0.0033%; no homozygotes.

Submission:

Labcorp Genetics (formerly Invitae), Labcorp
Classification: Uncertain significance for Ornithine aminotransferase deficiency. Last evaluated: 2025-02-03. Review status: criteria provided, single submitter. Criteria: Invitae Variant Classification Sherloc (09022015). Collection method: clinical testing. Allele origin: germline.
Comment: This sequence change replaces isoleucine, which is neutral and non-polar, with valine, which is neutral and non-polar, at codon 411 of the OAT protein (p.Ile411Val). This variant is present in population databases (no rsID available, gnomAD 0.007%). This variant has not been reported in the literature in individuals affected with OAT-related conditions. ClinVar contains an entry for this variant (Variation ID: 1947203). Invitae Evidence Modeling of protein sequence and biophysical properties (such as structural, functional, and spatial information, amino acid conservation, physicochemical variation, residue mobility, and thermodynamic stability) indicates that this missense variant is not expected to disrupt OAT protein function with a negative predictive value of 80%. In summary, the available evidence is currently insufficient to determine the role of this variant in disease. Therefore, it has been classified as a Variant of Uncertain Significance.